The following is an entry in ClinVar:

NM_001267550.2(TTN):c.11311+2488G>A

Gene: TTN (titin; minus strand). Cytogenetic location: 2q31.2.
Variant type: single nucleotide variant.
Coding change: c.11311+2488G>A on transcript NM_001267550.2 (MANE Select); 2488 bases into the intron after coding-DNA position 11311, G replaced by A.
Molecular consequence: intron variant. On other transcripts: missense variant (1).
Genome position (GRCh38, 1-based): chr2:178,750,636, C>T on the plus strand (G>A on the coding strand, the complement: TTN is on the minus strand). VCF-style: chr2-178750636-C-T. GRCh37 (hg19) VCF-style: chr2-179615363-C-T.
Other names: c.11764G>A, p.Glu3922Lys (NM_133379.5); c.10222+2488G>A (NM_003319.4); c.10798+2488G>A (NM_133437.4); c.10597+2488G>A (NM_133432.3); c.10360+2488G>A (NM_133378.4, NM_001256850.1); short protein forms E3922K.
Identifiers: ClinVar variation 4977695 (VCV004977695.1).

ClinVar aggregate classification (germline): Uncertain significance (1 of 4 stars; one submission).

Conditions:
TTN-related disorder. Also called: TTN-related condition; TTN-related disease; TTN-related disorders.

gnomAD v4.1: 29 of 1,612,666 alleles (0.0018%); highest among the groups gnomAD compares: Admixed American, 0.028%; no homozygotes.

Submission:

PreventionGenetics, part of Exact Sciences
Classification: Uncertain significance for TTN-related condition. Last evaluated: 2025-11-19. Review status: criteria provided, single submitter. Criteria: ACMG Guidelines, 2015. Collection method: clinical testing. Allele origin: germline.
Comment: The TTN c.11764G>A variant is predicted to result in the amino acid substitution p.Glu3922Lys. Of note, this variant is also referred to as c.11764G>A (p.Glu3922Lys), located in exon 46 of the alternative Novex-3 transcript NM_133379 (minor small cardiac isoform). This exon is not included in any other TTN transcripts (principle cardiac or skeletal muscle isoforms). To our knowledge, this variant has not been reported in the literature. This variant is reported in 0.040% of alleles in individuals of Latino descent in gnomAD. At this time, the clinical significance of this variant is uncertain due to the absence of conclusive functional and genetic evidence.